The following is an entry in ClinVar:

NM_014244.5(ADAMTS2):c.49delinsTCTCTTATACACATCTG (p.Leu17fs)

Gene: ADAMTS2 (ADAM metallopeptidase with thrombospondin type 1 motif 2; minus strand). Cytogenetic location: 5q35.3.
Variant type: Indel.
Coding change: c.49delinsTCTCTTATACACATCTG on transcript NM_014244.5 (MANE Select); coding-DNA position 49, C replaced by TCTCTTATACACATCTG.
Protein change: p.Leu17fs; shifts the reading frame from leucine 17.
Molecular consequence: frameshift variant.
Genome position (GRCh38, 1-based): chr5:179,345,280, G replaced by CAGATGTGTATAAGAGA on the plus strand (C replaced by TCTCTTATACACATCTG on the coding strand, the reverse complement: ADAMTS2 is on the minus strand). VCF-style: chr5-179345280-G-CAGATGTGTATAAGAGA. GRCh37 (hg19) VCF-style: chr5-178772281-G-CAGATGTGTATAAGAGA.
Other names: c.49delinsTCTCTTATACACATCTG, p.Leu17fs (NM_021599.4); short protein forms L17fs.
Identifiers: ClinVar variation 5011107 (VCV005011107.1).

ClinVar aggregate classification (germline): Pathogenic (1 of 4 stars; one submission).

Conditions:
Ehlers-Danlos syndrome, dermatosparaxis type. Also called: EDS VIIC; Dermatosparaxis; Ehlers-Danlos syndrome, type VII, autosomal recessive. Identifiers: Orphanet 1901, MedGen C2700425, MONDO:0009161, OMIM 225410.

Submission:

Myriad Genetics, Inc.
Classification: Pathogenic for Ehlers-Danlos syndrome, dermatosparaxis type. Last evaluated: 2024-05-14. Review status: criteria provided, single submitter. Criteria: Myriad Autosomal Dominant, Autosomal Recessive and X-Linked Classification Criteria (2023). Collection method: clinical testing. Allele origin: unknown.
Comment: NM_014244.4(ADAMTS2):c.49del1ins17(L17Sfs*54) is expected to be pathogenic in the context of Ehlers-Danlos syndrome, ADAMTS2-related. This variant is predicted to lead to an abnormal or absent protein product due to the creation of a premature termination codon in ADAMTS2, a gene where loss-of-function variants are known to be pathogenic. Please note: this variant was assessed in the context of healthy population screening.